The following is an entry in ClinVar:

ClinVar aggregate classification (germline): Pathogenic (1 of 4 stars; one submission).

Conditions:
Friedreich ataxia 1 (FRDA1). Identifiers: Orphanet 95, MedGen C1856689, MONDO:0100340, OMIM 229300.

Submission:

Myriad Genetics, Inc.
Classification: Pathogenic for Friedreich ataxia 1. Last evaluated: 2024-05-09. Review status: criteria provided, single submitter. Criteria: Myriad Autosomal Dominant, Autosomal Recessive and X-Linked Classification Criteria (2023). Collection method: clinical testing. Allele origin: unknown.
Comment: NM_000144.4(FXN):c.354C>G(Y118*) is expected to be pathogenic in the context of Friedreich ataxia. This variant is predicted to lead to an abnormal or absent protein product due to the creation of a premature termination codon in FXN, a gene where loss-of-function variants are known to be pathogenic. Please note: this variant was assessed in the context of healthy population screening.

NM_000144.5(FXN):c.354C>G (p.Tyr118Ter)

Gene: FXN (frataxin; plus strand). Cytogenetic location: 9q21.11.
Variant type: single nucleotide variant.
Coding change: c.354C>G on transcript NM_000144.5 (MANE Select); coding-DNA position 354, C replaced by G.
Protein change: p.Tyr118Ter; replaces tyrosine 118 with a stop codon.
Molecular consequence: nonsense.
Genome position (GRCh38, 1-based): chr9:69,053,230, C>G. VCF-style: chr9-69053230-C-G. GRCh37 (hg19) VCF-style: chr9-71668146-C-G.
Other names: c.354C>G, p.Tyr118Ter (NM_181425.3); short protein forms Y118*.
Identifiers: ClinVar variation 5012933 (VCV005012933.1).